The following is an entry in ClinVar:

ClinVar aggregate classification (germline): Conflicting classifications of pathogenicity. Review status: criteria provided, conflicting classifications (1 of 4 stars). 5 submissions from 5 submitters: Uncertain significance (4); Likely benign (1). Last evaluated 2024-11-26.

Conditions:
Hereditary spherocytosis type 3. Also called: Spherocytosis type 3; SPTA1-Related Spherocytosis. Identifiers: Orphanet 822, MedGen C2678338, MONDO:0010053, OMIM 270970.

Allele frequency attached by ClinVar (database versions not stated): gnomAD 0.00001; gnomAD exomes 0.00003 and 0.00010; TOPMed 0.00006; ExAC 0.00010.
gnomAD v4.1: 40 of 1,613,940 alleles (0.0025%); highest among the groups gnomAD compares: Admixed American, 0.03%; no homozygotes.

Submissions (5):

Mayo Clinic Laboratories, Mayo Clinic
Classification: Uncertain significance. Last evaluated: 2024-11-26. Review status: criteria provided, single submitter. Criteria: ACMG Guidelines, 2015. Collection method: clinical testing. Allele origin: germline. Observed: 1 variant allele.
Comment: BP4, PM2_supporting

Revvity Omics, Revvity
Classification: Uncertain significance. Last evaluated: 2024-06-03. Review status: criteria provided, single submitter. Criteria: ACMG Guidelines, 2015. Collection method: clinical testing. Allele origin: germline.

Labcorp Genetics (formerly Invitae), Labcorp
Classification: Likely benign. Last evaluated: 2023-06-12. Review status: criteria provided, single submitter. Criteria: Invitae Variant Classification Sherloc (09022015). Collection method: clinical testing. Allele origin: germline.

Baylor Genetics
Classification: Uncertain significance for Hereditary spherocytosis type 3. Last evaluated: 2018-03-21. Review status: criteria provided, single submitter. Criteria: ACMG Guidelines, 2015. Collection method: clinical testing. Allele origin: unknown. Affected: yes.
Comment: This variant was determined to be of uncertain significance according to ACMG Guidelines, 2015 [PMID:25741868].

ARUP Laboratories, Molecular Genetics and Genomics, ARUP Laboratories
Classification: Uncertain significance. Last evaluated: 2017-09-11. Review status: criteria provided, single submitter. Criteria: ARUP Molecular Germline Variant Investigation Process. Collection method: clinical testing. Allele origin: germline.

NM_003126.4(SPTA1):c.6631C>T (p.Arg2211Cys)

Gene: SPTA1 (spectrin alpha, erythrocytic 1; minus strand). Cytogenetic location: 1q23.1.
Variant type: single nucleotide variant.
Coding change: c.6631C>T on transcript NM_003126.4 (MANE Select); coding-DNA position 6631, C replaced by T.
Protein change: p.Arg2211Cys; replaces arginine 2211 with cysteine.
Molecular consequence: missense variant.
Genome position (GRCh38, 1-based): chr1:158,615,373, G>A on the plus strand (C>T on the coding strand, the complement: SPTA1 is on the minus strand). VCF-style: chr1-158615373-G-A. GRCh37 (hg19) VCF-style: chr1-158585163-G-A.
Other names: short protein forms R2211C.
Identifiers: ClinVar variation 618387 (VCV000618387.15), dbSNP rs773800556, ClinGen allele CA1181897.
Genomic context (GRCh38, chr1:158,615,373, plus strand): 5'-TATCAAGGATCAGAGCGTCTTCCAAGTTGTCCCCCAGGTCCACAATCTTGGTTAGTTGAC[G>A]CTTCATCGCCTGGATCTCCTTCTGTTTTCTCTGGAAAAACGACAGAGAAGAGAGACAATT-3'
Protein context (NP_003117.2, residues 2201-2221): RKQKEIQAMK[Arg2211Cys]QLTKIVDLGD